The following is an entry in ClinVar:

NM_004646.4(NPHS1):c.2512C>T (p.Pro838Ser)

Gene: NPHS1 (NPHS1 adhesion molecule, nephrin; minus strand). Cytogenetic location: 19q13.12.
Variant type: single nucleotide variant.
Coding change: c.2512C>T on transcript NM_004646.4 (MANE Select); coding-DNA position 2512, C replaced by T.
Protein change: p.Pro838Ser; replaces proline 838 with serine.
Molecular consequence: missense variant.
Genome position (GRCh38, 1-based): chr19:35,842,275, G>A on the plus strand (C>T on the coding strand, the complement: NPHS1 is on the minus strand). VCF-style: chr19-35842275-G-A. GRCh37 (hg19) VCF-style: chr19-36333177-G-A.
Other names: short protein forms P838S.
Identifiers: ClinVar variation 1712383 (VCV001712383.4), dbSNP rs2146819513, ClinGen allele CA405392247.

ClinVar aggregate classification (germline): Uncertain significance. Review status: criteria provided, multiple submitters, no conflicts (2 of 4 stars). 2 submissions from 2 submitters: Uncertain significance (2). Last evaluated 2023-12-01.

Conditions:
Finnish congenital nephrotic syndrome (NPHS1). Also called: NEPHROTIC SYNDROME, TYPE 1. Identifiers: Orphanet 839, MedGen C0403399, MONDO:0009732, OMIM 256300.
Focal segmental glomerulosclerosis (FSGS). Also called: Glomerulosclerosis, focal; Focal sclerosis with hyalinosis. Identifiers: MedGen C0017668, MONDO:0100313, HP:0000097. Disease mechanism: loss of function.

gnomAD v4.1: 7 of 1,612,608 alleles (0.00043%); highest among the groups gnomAD compares: South Asian, 0.0077%; no homozygotes.

Submissions (2):

Precision Medicine Center, Zhengzhou University
Classification: Uncertain significance for Finnish congenital nephrotic syndrome. Last evaluated: 2023-12-01. Review status: criteria provided, single submitter. Criteria: ACMG Guidelines, 2015. Collection method: clinical testing. Allele origin: maternal. Affected: yes.
Comment: PM2_p,PP3

Genome Diagnostics Laboratory, The Hospital for Sick Children
Classification: Uncertain significance for Focal segmental glomerulosclerosis. Last evaluated: 2021-12-21. Review status: criteria provided, single submitter. Criteria: ACMG Guidelines, 2015. Collection method: clinical testing. Allele origin: germline.

Literature cited by the submitters: PubMed 28780565 (cited by Precision Medicine Center, Zhengzhou University).